The following is an entry in ClinVar:

ClinVar aggregate classification (germline): Likely benign (1 of 4 stars; one submission).

Submission:

CeGaT Center for Human Genetics Tuebingen
Classification: Likely benign. Last evaluated: 2026-03-01. Review status: criteria provided, single submitter. Criteria: CeGaT Center For Human Genetics Tuebingen Variant Classification Criteria Version 2. Collection method: clinical testing. Allele origin: germline. Affected: yes. Observed: 1 variant allele.
Comment: KDM4B: BP4

NM_015015.3(KDM4B):c.-1C>T

Gene: KDM4B (lysine demethylase 4B; plus strand). Cytogenetic location: 19p13.3.
Variant type: single nucleotide variant.
Coding change: c.-1C>T on transcript NM_015015.3 (MANE Select); 1 bases upstream of the start codon, C replaced by T.
Molecular consequence: 5 prime UTR variant.
Genome position (GRCh38, 1-based): chr19:5,032,890, C>T. VCF-style: chr19-5032890-C-T. GRCh37 (hg19) VCF-style: chr19-5032901-C-T.
Other names: c.-1C>T (NM_001370093.1, NM_001370094.1, NM_001411148.1).
Identifiers: ClinVar variation 4823769 (VCV004823769.4).